The following is an entry in ClinVar:

NM_001082486.2(ACD):c.724C>T (p.Pro242Ser)

Gene: ACD (ACD shelterin complex subunit and telomerase recruitment factor; minus strand). Cytogenetic location: 16q22.1.
Variant type: single nucleotide variant.
Coding change: c.724C>T on transcript NM_001082486.2 (MANE Select); coding-DNA position 724, C replaced by T.
Protein change: p.Pro242Ser; replaces proline 242 with serine.
Molecular consequence: missense variant.
Genome position (GRCh38, 1-based): chr16:67,658,738, G>A on the plus strand (C>T on the coding strand, the complement: ACD is on the minus strand). VCF-style: chr16-67658738-G-A. GRCh37 (hg19) VCF-style: chr16-67692641-G-A.
Other names: c.724C>T, p.Pro242Ser (NM_001410884.1); c.715C>T, p.Pro239Ser (NM_022914.3); short protein forms P239S, P242S.
Identifiers: ClinVar variation 2905082 (VCV002905082.3), dbSNP rs752293373, ClinGen allele CA8114559.

ClinVar aggregate classification (germline): Uncertain significance (1 of 4 stars; one submission).

Conditions:
Dyskeratosis congenita, autosomal dominant 6 (DKCA6). Identifiers: Orphanet 3322, MedGen C4225284, MONDO:0014690, OMIM 616553.

Allele frequency attached by ClinVar (database versions not stated): gnomAD exomes below 0.00001; ExAC 0.00001.

Submission:

Labcorp Genetics (formerly Invitae), Labcorp
Classification: Uncertain significance for Dyskeratosis congenita, autosomal dominant 6. Last evaluated: 2023-01-13. Review status: criteria provided, single submitter. Criteria: Invitae Variant Classification Sherloc (09022015). Collection method: clinical testing. Allele origin: germline.
Comment: This variant is present in population databases (rs752293373, gnomAD 0.006%). This sequence change replaces proline, which is neutral and non-polar, with serine, which is neutral and polar, at codon 328 of the ACD protein (p.Pro328Ser). This variant has not been reported in the literature in individuals affected with ACD-related conditions. In summary, the available evidence is currently insufficient to determine the role of this variant in disease. Therefore, it has been classified as a Variant of Uncertain Significance. Advanced modeling of protein sequence and biophysical properties (such as structural, functional, and spatial information, amino acid conservation, physicochemical variation, residue mobility, and thermodynamic stability) performed at Invitae indicates that this missense variant is not expected to disrupt ACD protein function.